The following is an entry in ClinVar:

NM_001458.5(FLNC):c.2776T>G (p.Tyr926Asp)

Gene: FLNC (filamin C; plus strand). Cytogenetic location: 7q32.1.
Variant type: single nucleotide variant.
Coding change: c.2776T>G on transcript NM_001458.5 (MANE Select); coding-DNA position 2776, T replaced by G.
Protein change: p.Tyr926Asp; replaces tyrosine 926 with aspartic acid.
Molecular consequence: missense variant.
Genome position (GRCh38, 1-based): chr7:128,843,542, T>G. VCF-style: chr7-128843542-T-G. GRCh37 (hg19) VCF-style: chr7-128483596-T-G.
Other names: c.2776T>G, p.Tyr926Asp (NM_001127487.2); c.2776T>G (NM_001458.4); short protein forms Y926D.
Identifiers: ClinVar variation 999407 (VCV000999407.13), dbSNP rs1808429467, ClinGen allele CA369193237.

ClinVar aggregate classification (germline): Uncertain significance. Review status: criteria provided, multiple submitters, no conflicts (2 of 4 stars). 3 submissions from 3 submitters: Uncertain significance (3). Last evaluated 2026-02-22.

Conditions:
Hypertrophic cardiomyopathy 26. Also called: Cardiomyopathy, familial hypertrophic, 26. Identifiers: Orphanet 75249, MedGen C4310749, MONDO:0014883, OMIM 617047.
Distal myopathy with posterior leg and anterior hand involvement. Also called: WILLIAMS DISTAL MYOPATHY. Identifiers: Orphanet 63273, MedGen C3279722, MONDO:0013550, OMIM 614065.
Myofibrillar myopathy 5. Also called: Filaminopathy (type); FILAMINOPATHY, AUTOSOMAL DOMINANT. Identifiers: Orphanet 171445, MedGen C1836050, MONDO:0012289, OMIM 609524.
FLNC-related disorder. Also called: FLNC-related condition; FLNC-related disorders.
Cardiovascular phenotype. Identifiers: MedGen CN230736.

Allele frequency attached by ClinVar (database versions not stated): gnomAD exomes below 0.00001.
gnomAD v4.1: 1 of 1,613,892 alleles (0.000062%); highest among the groups gnomAD compares: Non-Finnish European, 0.000085%; no homozygotes.

Submissions (3):

Ambry Genetics
Classification: Uncertain significance for Cardiovascular phenotype. Last evaluated: 2026-02-22. Review status: criteria provided, single submitter. Criteria: Ambry Variant Classification Scheme 2023. Collection method: clinical testing. Allele origin: germline.
Comment: The p.Y926D variant (also known as c.2776T>G), located in coding exon 18 of the FLNC gene, results from a T to G substitution at nucleotide position 2776. The tyrosine at codon 926 is replaced by aspartic acid, an amino acid with highly dissimilar properties. This amino acid position is conserved. In addition, this alteration is predicted to be deleterious by in silico analysis. Based on the available evidence, the clinical significance of this variant remains unclear.

PreventionGenetics, part of Exact Sciences
Classification: Uncertain significance for FLNC-related condition. Last evaluated: 2024-12-06. Review status: criteria provided, single submitter. Criteria: ACMG Guidelines, 2015. Collection method: clinical testing. Allele origin: germline.
Comment: The FLNC c.2776T>G variant is predicted to result in the amino acid substitution p.Tyr926Asp. To our knowledge, this variant has not been reported in the literature or in a large population database (gnomAD), indicating this variant is rare. At this time, the clinical significance of this variant is uncertain due to the absence of conclusive functional and genetic evidence.

Labcorp Genetics (formerly Invitae), Labcorp
Classification: Uncertain significance for Distal myopathy with posterior leg and anterior hand involvement; Myofibrillar myopathy 5; Hypertrophic cardiomyopathy 26. Last evaluated: 2023-07-28. Review status: criteria provided, single submitter. Criteria: Invitae Variant Classification Sherloc (09022015). Collection method: clinical testing. Allele origin: germline.
Comment: This sequence change replaces tyrosine, which is neutral and polar, with aspartic acid, which is acidic and polar, at codon 926 of the FLNC protein (p.Tyr926Asp). This variant is not present in population databases (gnomAD no frequency). This variant has not been reported in the literature in individuals affected with FLNC-related conditions. ClinVar contains an entry for this variant (Variation ID: 999407). Advanced modeling of protein sequence and biophysical properties (such as structural, functional, and spatial information, amino acid conservation, physicochemical variation, residue mobility, and thermodynamic stability) has been performed at Invitae for this missense variant, however the output from this modeling did not meet the statistical confidence thresholds required to predict the impact of this variant on FLNC protein function. In summary, the available evidence is currently insufficient to determine the role of this variant in disease. Therefore, it has been classified as a Variant of Uncertain Significance.